The following is an entry in ClinVar:

ClinVar aggregate classification (germline): Uncertain significance. Review status: criteria provided, multiple submitters, no conflicts (2 of 4 stars). 2 submissions from 2 submitters: Uncertain significance (2). Last evaluated 2024-12-04.

Submissions (2):

Labcorp Genetics (formerly Invitae), Labcorp
Classification: Uncertain significance. Last evaluated: 2024-12-04. Review status: criteria provided, single submitter. Criteria: Invitae Variant Classification Sherloc (09022015). Collection method: clinical testing. Allele origin: germline.
Comment: This variant, c.1840_1842del, results in the deletion of 1 amino acid(s) of the ACO2 protein (p.Ser614del), but otherwise preserves the integrity of the reading frame. This variant is not present in population databases (gnomAD no frequency). This variant has not been reported in the literature in individuals affected with ACO2-related conditions. ClinVar contains an entry for this variant (Variation ID: 1012046). Experimental studies and prediction algorithms are not available or were not evaluated, and the functional significance of this variant is currently unknown. In summary, the available evidence is currently insufficient to determine the role of this variant in disease. Therefore, it has been classified as a Variant of Uncertain Significance.

GeneDx
Classification: Uncertain significance. Last evaluated: 2024-11-22. Review status: criteria provided, single submitter. Criteria: GeneDx Variant Classification Process June 2021. Collection method: clinical testing. Allele origin: germline. Affected: yes.
Comment: Not observed at significant frequency in large population cohorts (gnomAD); In-frame deletion of 1 amino acid in a non-repeat region; In silico analysis supports a deleterious effect on protein structure/function; Has not been previously published as pathogenic or benign to our knowledge

NM_001098.3(ACO2):c.1840_1842del (p.Ser614del)

Genes: ACO2 (aconitase 2; plus strand), POLR3H (RNA polymerase III subunit H; minus strand). Cytogenetic location: 22q13.2.
Variant type: Deletion.
Coding change: c.1840_1842del on transcript NM_001098.3 (MANE Select); coding-DNA positions 1840 to 1842, 3 bases deleted (TCC; older notation c.1840_1842delTCC).
Protein change: p.Ser614del; deletes serine 614.
Molecular consequence: inframe deletion. On other transcripts: 3 prime UTR variant (5).
Genome position (GRCh38, 1-based): chr22:41,526,340-41,526,342, TCC deleted; deleting any 3 consecutive bases within chr22:41,526,339-41,526,342 gives the same sequence; the c. name uses the placement nearest the transcript's 3' end. VCF-style (leftmost placement, unchanged base first): chr22-41526338-TCTC-T. GRCh37 (hg19) VCF-style: chr22-41922342-TCTC-T.
Other names: c.*2942_*2944del (NM_001018050.4, NM_001018052.4, NM_001282884.2 and 2 more transcripts); c.1840_1842del (NM_001098.2); short protein forms S614del.
Identifiers: ClinVar variation 1012046 (VCV001012046.9), dbSNP rs2066595435, ClinGen allele CA2406290044.